The following is an entry in ClinVar:

ClinVar aggregate classification (germline): Uncertain significance. Review status: criteria provided, multiple submitters, no conflicts (2 of 4 stars). 2 submissions from 2 submitters: Uncertain significance (2). Last evaluated 2025-06-07.

Conditions:
Inborn genetic diseases. Identifiers: MedGen C0950123, MeSH D030342.

gnomAD v4.1: 3 of 1,614,024 alleles (0.00019%); highest among the groups gnomAD compares: Non-Finnish European, 0.00025%; no homozygotes.

Submissions (2):

Ambry Genetics
Classification: Uncertain significance for Inborn genetic diseases. Last evaluated: 2025-06-07. Review status: criteria provided, single submitter. Criteria: Ambry Variant Classification Scheme 2023. Collection method: clinical testing. Allele origin: germline.

Labcorp Genetics (formerly Invitae), Labcorp
Classification: Uncertain significance. Last evaluated: 2024-10-07. Review status: criteria provided, single submitter. Criteria: Invitae Variant Classification Sherloc (09022015). Collection method: clinical testing. Allele origin: germline.
Comment: This sequence change replaces serine, which is neutral and polar, with threonine, which is neutral and polar, at codon 253 of the LHCGR protein (p.Ser253Thr). This variant is present in population databases (no rsID available, gnomAD 0.0009%). This variant has not been reported in the literature in individuals affected with LHCGR-related conditions. Invitae Evidence Modeling of protein sequence and biophysical properties (such as structural, functional, and spatial information, amino acid conservation, physicochemical variation, residue mobility, and thermodynamic stability) indicates that this missense variant is not expected to disrupt LHCGR protein function with a negative predictive value of 80%. In summary, the available evidence is currently insufficient to determine the role of this variant in disease. Therefore, it has been classified as a Variant of Uncertain Significance.

NM_000233.4(LHCGR):c.757T>A (p.Ser253Thr)

Genes: LHCGR (luteinizing hormone/choriogonadotropin receptor; minus strand), STON1-GTF2A1L (STON1-GTF2A1L readthrough; plus strand). Cytogenetic location: 2p16.3.
Variant type: single nucleotide variant.
Coding change: c.757T>A on transcript NM_000233.4 (MANE Select); coding-DNA position 757, T replaced by A.
Protein change: p.Ser253Thr; replaces serine 253 with threonine.
Molecular consequence: missense variant. On other transcripts: intron variant (1).
Genome position (GRCh38, 1-based): chr2:48,698,724, A>T on the plus strand (T>A on the coding strand, the complement: LHCGR is on the minus strand). VCF-style: chr2-48698724-A-T. GRCh37 (hg19) VCF-style: chr2-48925863-A-T.
Other names: c.757T>A (NM_000233.3); c.3441+27044A>T (NM_001198593.2); short protein forms S253T.
Identifiers: ClinVar variation 3699773 (VCV003699773.3).